The following is an entry in ClinVar:

NM_000410.4(HFE):c.214A>T (p.Thr72Ser)

Genes: HFE (homeostatic iron regulator; plus strand), HFE-AS1 (HFE antisense RNA 1; minus strand). Cytogenetic location: 6p22.2.
Variant type: single nucleotide variant.
Coding change: c.214A>T on transcript NM_000410.4 (MANE Select); coding-DNA position 214, A replaced by T.
Protein change: p.Thr72Ser; replaces threonine 72 with serine.
Molecular consequence: missense variant. On other transcripts: non-coding transcript variant (1), intron variant (5).
Genome position (GRCh38, 1-based): chr6:26,090,978, A>T. VCF-style: chr6-26090978-A-T. GRCh37 (hg19) VCF-style: chr6-26091206-A-T.
Other names: c.214A>T, p.Thr72Ser (NM_001300749.3, NM_001384164.1, NM_001406751.1 and 3 more transcripts); c.145A>T, p.Thr49Ser (NM_139009.3); c.77-336A>T (NM_139007.3, NM_001406752.1, NM_139008.3); c.77-1707A>T (NM_139010.3); c.77-2141A>T (NM_139011.3); short protein forms T49S, T72S.
Identifiers: ClinVar variation 3902567 (VCV003902567.1).

ClinVar aggregate classification (germline): Uncertain significance (1 of 4 stars; one submission).

Submission:

Women's Health and Genetics/Laboratory Corporation of America, LabCorp
Classification: Uncertain significance. Last evaluated: 2025-05-02. Review status: criteria provided, single submitter. Criteria: LabCorp Variant Classification Summary - May 2015. Collection method: clinical testing. Allele origin: germline.
Comment: Variant summary: HFE c.214A>T (p.Thr72Ser) results in a conservative amino acid change in the encoded protein sequence. Algorithms developed to predict the effect of missense changes on protein structure and function all suggest that this variant is likely to be tolerated. The variant was absent in 251492 control chromosomes. The available data on variant occurrences in the general population are insufficient to allow any conclusion about variant significance. To our knowledge, no occurrence of c.214A>T in individuals affected with Hemochromatosis Type 1 and no experimental evidence demonstrating its impact on protein function have been reported. No submitters have cited clinical-significance assessments for this variant to ClinVar. Based on the evidence outlined above, the variant was classified as uncertain significance.